The following is an entry in ClinVar:

ClinVar aggregate classification (germline): Conflicting classifications of pathogenicity. Review status: criteria provided, conflicting classifications (1 of 4 stars). 3 submissions from 3 submitters: Uncertain significance (1); Likely benign (2). Last evaluated 2025-10-22.

Conditions:
PEX6-related disorder. Also called: PEX6-related disorders; PEX6-related condition.
Peroxisome biogenesis disorder. Identifiers: Orphanet 79189, MedGen C1832200, MONDO:0019234. Disease mechanism: loss of function.

Allele frequency attached by ClinVar (database versions not stated): gnomAD exomes 0.00001 and 0.00003; TOPMed 0.00001.
gnomAD v4.1: 5 of 1,553,338 alleles (0.00032%); highest among the groups gnomAD compares: Admixed American, 0.0096%; no homozygotes.

Submissions (3):

Labcorp Genetics (formerly Invitae), Labcorp
Classification: Likely benign for Peroxisome biogenesis disorder. Last evaluated: 2025-10-22. Review status: criteria provided, single submitter. Criteria: Invitae Variant Classification Sherloc (09022015). Collection method: clinical testing. Allele origin: germline.

PreventionGenetics, part of Exact Sciences
Classification: Likely benign for PEX6-related condition. Last evaluated: 2025-03-25. Review status: criteria provided, single submitter. Criteria: ACMG Guidelines, 2015. Collection method: clinical testing. Allele origin: germline.
Comment: This variant is classified as likely benign based on ACMG/AMP sequence variant interpretation guidelines (Richards et al. 2015 PMID: 25741868, with internal and published modifications).

Eurofins Ntd Llc (ga)
Classification: Uncertain significance. Last evaluated: 2018-05-15. Review status: criteria provided, single submitter. Criteria: EGL ClinVar v180209 classification definitions. Collection method: clinical testing. Allele origin: germline. Observed: 1 variant allele, 1 heterozygote.

NM_000287.4(PEX6):c.465G>C (p.Leu155=)

Gene: PEX6 (peroxisomal biogenesis factor 6; minus strand). Cytogenetic location: 6p21.1.
Variant type: single nucleotide variant.
Coding change: c.465G>C on transcript NM_000287.4 (MANE Select); coding-DNA position 465, G replaced by C.
Protein change: p.Leu155=; no amino-acid change (leucine 155 retained).
Molecular consequence: synonymous variant. On other transcripts: non-coding transcript variant (1).
Genome position (GRCh38, 1-based): chr6:42,978,686, C>G on the plus strand (G>C on the coding strand, the complement: PEX6 is on the minus strand). VCF-style: chr6-42978686-C-G. GRCh37 (hg19) VCF-style: chr6-42946424-C-G.
Other names: c.465G>C, p.Leu155= (NM_001316313.2); c.465G>C (NM_000287.3).
Identifiers: ClinVar variation 597030 (VCV000597030.15), dbSNP rs1187015124, ClinGen allele CA450366730.
Genomic context (GRCh38, chr6:42,978,686, plus strand): 5'-CCGACTGCTGTCCCCAGACTCTGGACACAGTCTGGCCCGCCCGCGGAGCTCAGTCACAGC[C>G]AGCCGAGTCCCTGGGCCCAGCAGCCCTTGCAACGCCGGCCGCGTCTCCAGCACCCGCGGT-3'
Protein context (NP_000278.3, residues 145-165): LQGLLGPGTR[Leu155=]AVTELRGRAR